The following is an entry in ClinVar:

NM_000088.4(COL1A1):c.211G>A (p.Asp71Asn)

Gene: COL1A1 (collagen type I alpha 1 chain; minus strand). Cytogenetic location: 17q21.33.
Variant type: single nucleotide variant.
Coding change: c.211G>A on transcript NM_000088.4 (MANE Select); coding-DNA position 211, G replaced by A.
Protein change: p.Asp71Asn; replaces aspartic acid 71 with asparagine.
Molecular consequence: missense variant.
Genome position (GRCh38, 1-based): chr17:50,199,840, C>T on the plus strand (G>A on the coding strand, the complement: COL1A1 is on the minus strand). VCF-style: chr17-50199840-C-T. GRCh37 (hg19) VCF-style: chr17-48277201-C-T.
Other names: short protein forms D71N.
Identifiers: ClinVar variation 4851405 (VCV004851405.1).

ClinVar aggregate classification (germline): Uncertain significance (1 of 4 stars; one submission).

Conditions:
Ehlers-Danlos syndrome, arthrochalasia type. Also called: ARTHROCHALASIS MULTIPLEX CONGENITA; EDS VII, MUTANT PROCOLLAGEN TYPE; EDS VIIA; Ehlers-Danlos syndrome, arthrochalasia type, 1; Ehlers-Danlos syndrome, arthrochalasis type. Identifiers: Orphanet 1899, Orphanet 99875, Orphanet 99876, MedGen C4551623, MONDO:0007525, OMIM 130060.

Submission:

Institute of Immunology and Genetics Kaiserslautern
Classification: Uncertain significance for Ehlers-Danlos syndrome, arthrochalasia type. Last evaluated: 2026-01-28. Review status: criteria provided, single submitter. Criteria: ACMG Guidelines, 2015. Collection method: clinical testing. Allele origin: germline. Affected: yes.
Comment: ACMG Criteria: PM2_P; Variant was found in heterozygous state.